The following is an entry in ClinVar:

NM_006912.6(RIT1):c.646G>A (p.Asp216Asn)

Gene: RIT1 (Ras like without CAAX 1; minus strand). Cytogenetic location: 1q22.
Variant type: single nucleotide variant.
Coding change: c.646G>A on transcript NM_006912.6 (MANE Select); coding-DNA position 646, G replaced by A.
Protein change: p.Asp216Asn; replaces aspartic acid 216 with asparagine.
Molecular consequence: missense variant.
Genome position (GRCh38, 1-based): chr1:155,900,402, C>T on the plus strand (G>A on the coding strand, the complement: RIT1 is on the minus strand). VCF-style: chr1-155900402-C-T. GRCh37 (hg19) VCF-style: chr1-155870193-C-T.
Other names: c.538G>A, p.Asp180Asn (NM_001256820.2); c.697G>A, p.Asp233Asn (NM_001256821.2); short protein forms D233N, D180N, D216N.
Identifiers: ClinVar variation 1354441 (VCV001354441.11), dbSNP rs545031201, ClinGen allele CA1151757.
Genomic context (GRCh38, chr1:155,900,402, plus strand): 5'-TTGATACAGCACTGCAGTTCACAGATAAACACTTCACATCTTCTCTTCAAGTTACTGAAT[C>T]TTTCTTCTTCCGGAATGGTGATTTTAGCCTCTTCCATACACTGTTTTTGGGCTTAGATTT-3'
Protein context (NP_008843.1, residues 206-219): RLKSPFRKKK[Asp216Asn]SVT

ClinVar aggregate classification (germline): Conflicting classifications of pathogenicity. Review status: criteria provided, conflicting classifications (1 of 4 stars). 3 submissions from 3 submitters: Uncertain significance (2); Likely benign (1). Last evaluated 2025-07-20.

Conditions:
Noonan syndrome 8 (NS8). Identifiers: Orphanet 648, MedGen C3809233, MONDO:0014143, OMIM 615355.
Cardiovascular phenotype. Identifiers: MedGen CN230736.

Allele frequency attached by ClinVar (database versions not stated): 1000 Genomes Project 30x 0.00016; 1000 Genomes Project 0.00020; ExAC 0.00001; gnomAD 0.00002 and 0.00003; gnomAD exomes 0.00002; TOPMed 0.00003.

Submissions (3):

Labcorp Genetics (formerly Invitae), Labcorp
Classification: Uncertain significance for Noonan syndrome 8. Last evaluated: 2025-07-20. Review status: criteria provided, single submitter. Criteria: Invitae Variant Classification Sherloc (09022015). Collection method: clinical testing. Allele origin: germline.
Comment: This sequence change replaces aspartic acid, which is acidic and polar, with asparagine, which is neutral and polar, at codon 216 of the RIT1 protein (p.Asp216Asn). This variant is present in population databases (rs545031201, gnomAD 0.02%). This variant has not been reported in the literature in individuals affected with RIT1-related conditions. ClinVar contains an entry for this variant (Variation ID: 1354441). Invitae Evidence Modeling incorporating data from in vitro experimental studies (internal data) indicates that this missense variant is not expected to disrupt RIT1 function with a negative predictive value of 95%. In summary, the available evidence is currently insufficient to determine the role of this variant in disease. Therefore, it has been classified as a Variant of Uncertain Significance.

Ambry Genetics
Classification: Likely benign for Cardiovascular phenotype. Last evaluated: 2024-10-16. Review status: criteria provided, single submitter. Criteria: Ambry Variant Classification Scheme 2023. Collection method: clinical testing. Allele origin: germline.

Genome-Nilou Lab
Classification: Uncertain significance for Noonan syndrome 8. Last evaluated: 2023-04-11. Review status: criteria provided, single submitter. Criteria: ACMG Guidelines, 2015. Collection method: clinical testing. Allele origin: germline. Affected: no.

Literature cited by the submitters: PubMed 38004723 (cited by Ambry Genetics).